The following is an entry in ClinVar:

NM_001360.3(DHCR7):c.821A>C (p.Asn274Thr)

Gene: DHCR7 (7-dehydrocholesterol reductase; minus strand). Cytogenetic location: 11q13.4.
Variant type: single nucleotide variant.
Coding change: c.821A>C on transcript NM_001360.3 (MANE Select); coding-DNA position 821, A replaced by C.
Protein change: p.Asn274Thr; replaces asparagine 274 with threonine.
Molecular consequence: missense variant.
Genome position (GRCh38, 1-based): chr11:71,438,889, T>G on the plus strand (A>C on the coding strand, the complement: DHCR7 is on the minus strand). VCF-style: chr11-71438889-T-G. GRCh37 (hg19) VCF-style: chr11-71149935-T-G.
Other names: c.821A>C, p.Asn274Thr (NM_001163817.2); short protein forms N274T.
Identifiers: ClinVar variation 1477868 (VCV001477868.6), dbSNP rs774275482, ClinGen allele CA6162452.

ClinVar aggregate classification (germline): Likely pathogenic (1 of 4 stars; one submission).

Conditions:
Smith-Lemli-Opitz syndrome (SLOS). Also called: 7-Dehydrocholesterol reductase deficiency; POLYDACTYLY, SEX REVERSAL, RENAL HYPOPLASIA, AND UNILOBAR LUNG; RSH SYNDROME; RUTLEDGE LETHAL MULTIPLE CONGENITAL ANOMALY SYNDROME; LETHAL ACRODYSGENITAL SYNDROME. Identifiers: Orphanet 818, MedGen C0175694, MONDO:0010035, OMIM 270400.

Allele frequency attached by ClinVar (database versions not stated): gnomAD exomes below 0.00001; ExAC 0.00001.

Submission:

Labcorp Genetics (formerly Invitae), Labcorp
Classification: Likely pathogenic for Smith-Lemli-Opitz syndrome. Last evaluated: 2024-01-24. Review status: criteria provided, single submitter. Criteria: Invitae Variant Classification Sherloc (09022015). Collection method: clinical testing. Allele origin: germline.
Comment: This sequence change replaces asparagine, which is neutral and polar, with threonine, which is neutral and polar, at codon 274 of the DHCR7 protein (p.Asn274Thr). This variant is present in population databases (rs774275482, gnomAD 0.006%). This variant has not been reported in the literature in individuals affected with DHCR7-related conditions. ClinVar contains an entry for this variant (Variation ID: 1477868). Advanced modeling of protein sequence and biophysical properties (such as structural, functional, and spatial information, amino acid conservation, physicochemical variation, residue mobility, and thermodynamic stability) performed at Invitae indicates that this missense variant is expected to disrupt DHCR7 protein function with a positive predictive value of 80%. This variant disrupts the p.Asn274 amino acid residue in DHCR7. Other variant(s) that disrupt this residue have been determined to be pathogenic (PMID: 12818773, 15952211, 15979035). This suggests that this residue is clinically significant, and that variants that disrupt this residue are likely to be disease-causing. In summary, the currently available evidence indicates that the variant is pathogenic, but additional data are needed to prove that conclusively. Therefore, this variant has been classified as Likely Pathogenic.

Literature cited by the submitters: PubMed 12818773; PubMed 15952211; PubMed 15979035.